The following is an entry in ClinVar:

NM_002227.4(JAK1):c.2584G>A (p.Ala862Thr)

Gene: JAK1 (Janus kinase 1; minus strand). Cytogenetic location: 1p31.3.
Variant type: single nucleotide variant.
Coding change: c.2584G>A on transcript NM_002227.4 (MANE Select); coding-DNA position 2584, G replaced by A.
Protein change: p.Ala862Thr; replaces alanine 862 with threonine.
Molecular consequence: missense variant.
Genome position (GRCh38, 1-based): chr1:64,841,310, C>T on the plus strand (G>A on the coding strand, the complement: JAK1 is on the minus strand). VCF-style: chr1-64841310-C-T. GRCh37 (hg19) VCF-style: chr1-65306993-C-T.
Other names: c.2584G>A, p.Ala862Thr (NM_001320923.2, NM_001321852.2, NM_001321853.2 and 3 more transcripts); c.2581G>A, p.Ala861Thr (NM_001321857.2); short protein forms A861T, A862T.
Identifiers: ClinVar variation 1447886 (VCV001447886.8), dbSNP rs371295663, ClinGen allele CA892632.
Genomic context (GRCh38, chr1:64,841,310, plus strand): 5'-CCAAGTCACGGATCCTCTTTAGGAAGCGCTTTTCAAAATGTGTGGGGTCCACTTCAGTTG[C>T]TGGTTTTTTTTCTGAAACAATATCTGGATCTAACAGAAGAGAAAAGAAAACAGAGTGAAA-3'
Protein context (NP_002218.2, residues 852-872): NPDIVSEKKP[Ala862Thr]TEVDPTHFEK

ClinVar aggregate classification (germline): Uncertain significance (1 of 4 stars; one submission).

Allele frequency attached by ClinVar (database versions not stated): gnomAD 0.00001; TOPMed 0.00001; ExAC 0.00002; gnomAD exomes 0.00002; ESP Exome Variant Server 0.00008.
gnomAD v4.1: 24 of 1,614,002 alleles (0.0015%); highest among the groups gnomAD compares: South Asian, 0.0033%; no homozygotes.

Submission:

Labcorp Genetics (formerly Invitae), Labcorp
Classification: Uncertain significance. Last evaluated: 2026-01-06. Review status: criteria provided, single submitter. Criteria: Invitae Variant Classification Sherloc (09022015). Collection method: clinical testing. Allele origin: germline.
Comment: This sequence change replaces alanine, which is neutral and non-polar, with threonine, which is neutral and polar, at codon 862 of the JAK1 protein (p.Ala862Thr). This variant is present in population databases (rs371295663, gnomAD 0.004%). This variant has not been reported in the literature in individuals affected with JAK1-related conditions. ClinVar contains an entry for this variant (Variation ID: 1447886). An algorithm developed to predict the effect of missense changes on protein structure and function outputs the following: PolyPhen-2: "Benign". The threonine amino acid residue is found in multiple mammalian species, which suggests that this missense change does not adversely affect protein function. In summary, the available evidence is currently insufficient to determine the role of this variant in disease. Therefore, it has been classified as a Variant of Uncertain Significance.